The following is an entry in ClinVar:

ClinVar aggregate classification (germline): Uncertain significance (1 of 4 stars; one submission).

Submission:

CeGaT Center for Human Genetics Tuebingen
Classification: Uncertain significance. Last evaluated: 2026-04-01. Review status: criteria provided, single submitter. Criteria: CeGaT Center For Human Genetics Tuebingen Variant Classification Criteria Version 2. Collection method: clinical testing. Allele origin: germline. Affected: yes. Observed: 1 variant allele.
Comment: TTN: PM2

NM_001267550.2(TTN):c.104951A>G (p.Glu34984Gly)

Genes: TTN (titin; minus strand), TTN-AS1 (TTN antisense RNA 1; plus strand). Cytogenetic location: 2q31.2.
Variant type: single nucleotide variant.
Coding change: c.104951A>G on transcript NM_001267550.2 (MANE Select); coding-DNA position 104951, A replaced by G.
Protein change: p.Glu34984Gly; replaces glutamic acid 34984 with glycine.
Molecular consequence: missense variant.
Genome position (GRCh38, 1-based): chr2:178,531,664, T>C on the plus strand (A>G on the coding strand, the complement: TTN is on the minus strand). VCF-style: chr2-178531664-T-C. GRCh37 (hg19) VCF-style: chr2-179396391-T-C.
Other names: c.100028A>G, p.Glu33343Gly (NM_001256850.1); c.77756A>G, p.Glu25919Gly (NM_003319.4); c.97247A>G, p.Glu32416Gly (NM_133378.4); c.78131A>G, p.Glu26044Gly (NM_133432.3); c.78332A>G, p.Glu26111Gly (NM_133437.4); short protein forms E25919G, E26044G, E26111G, E32416G, E33343G, E34984G.
Identifiers: ClinVar variation 4873945 (VCV004873945.2).